The following is an entry in ClinVar:

NM_001330360.2(POLA1):c.2773G>A (p.Val925Ile)

Gene: POLA1 (DNA polymerase alpha 1, catalytic subunit; plus strand). Cytogenetic location: Xp22.11.
Variant type: single nucleotide variant.
Coding change: c.2773G>A on transcript NM_001330360.2 (MANE Select); coding-DNA position 2773, G replaced by A.
Protein change: p.Val925Ile; replaces valine 925 with isoleucine.
Molecular consequence: missense variant. On other transcripts: non-coding transcript variant (2).
Genome position (GRCh38, 1-based): chrX:24,748,392, G>A. VCF-style: chrX-24748392-G-A. GRCh37 (hg19) VCF-style: chrX-24766509-G-A.
Other names: c.2698G>A, p.Val900Ile (NM_001378303.1); c.2755G>A, p.Val919Ile (NM_016937.4); c.2755G>A (NM_016937.3); short protein forms V900I, V925I, V919I.
Identifiers: ClinVar variation 2875496 (VCV002875496.4), dbSNP rs1002397704, ClinGen allele CA326922785.

ClinVar aggregate classification (germline): Uncertain significance. Review status: criteria provided, multiple submitters, no conflicts (2 of 4 stars). 2 submissions from 2 submitters: Uncertain significance (2). Last evaluated 2025-04-30.

Allele frequency attached by ClinVar (database versions not stated): gnomAD 0.00001; TOPMed 0.00001.
gnomAD v4.1: 1 of 1,199,442 alleles (0.000083%); highest among the groups gnomAD compares: African/African-American, 0.0017%; no homozygotes.

Submissions (2):

GeneDx
Classification: Uncertain significance. Last evaluated: 2025-04-30. Review status: criteria provided, single submitter. Criteria: GeneDx Variant Classification Process June 2021. Collection method: clinical testing. Allele origin: germline. Affected: yes.
Comment: Not observed at significant frequency in large population cohorts (gnomAD); In silico analysis indicates that this missense variant does not alter protein structure/function; Has not been previously published as pathogenic or benign to our knowledge

Labcorp Genetics (formerly Invitae), Labcorp
Classification: Uncertain significance. Last evaluated: 2023-12-22. Review status: criteria provided, single submitter. Criteria: Invitae Variant Classification Sherloc (09022015). Collection method: clinical testing. Allele origin: germline.
Comment: This sequence change replaces valine, which is neutral and non-polar, with isoleucine, which is neutral and non-polar, at codon 919 of the POLA1 protein (p.Val919Ile). This variant is not present in population databases (gnomAD no frequency). This variant has not been reported in the literature in individuals affected with POLA1-related conditions. Advanced modeling of protein sequence and biophysical properties (such as structural, functional, and spatial information, amino acid conservation, physicochemical variation, residue mobility, and thermodynamic stability) performed at Invitae indicates that this missense variant is expected to disrupt POLA1 protein function with a positive predictive value of 80%. In summary, the available evidence is currently insufficient to determine the role of this variant in disease. Therefore, it has been classified as a Variant of Uncertain Significance.